The following is an entry in ClinVar:

NM_053013.4(ENO3):c.737T>C (p.Val246Ala)

Gene: ENO3 (enolase 3; plus strand). Cytogenetic location: 17p13.2.
Variant type: single nucleotide variant.
Coding change: c.737T>C on transcript NM_053013.4 (MANE Select); coding-DNA position 737, T replaced by C.
Protein change: p.Val246Ala; replaces valine 246 with alanine.
Molecular consequence: missense variant.
Genome position (GRCh38, 1-based): chr17:4,955,476, T>C. VCF-style: chr17-4955476-T-C. GRCh37 (hg19) VCF-style: chr17-4858771-T-C.
Other names: c.608T>C, p.Val203Ala (NM_001193503.2); c.737T>C, p.Val246Ala (NM_001374523.1, NM_001976.5); c.764T>C, p.Val255Ala (NM_001374524.1); short protein forms V246A, V203A, V255A.
Identifiers: ClinVar variation 1436082 (VCV001436082.5), dbSNP rs200479387, ClinGen allele CA8316416.

ClinVar aggregate classification (germline): Uncertain significance. Review status: criteria provided, multiple submitters, no conflicts (2 of 4 stars). 3 submissions from 3 submitters: Uncertain significance (3). Last evaluated 2024-10-03.

Conditions:
Glycogen storage disease due to muscle beta-enolase deficiency (GSD13). Also called: Glycogen Storage Disease Type XIII; ENOLASE 3 DEFICIENCY; ENOLASE-BETA DEFICIENCY; GSD XIII. Identifiers: Orphanet 99849, MedGen C2752027, MONDO:0013046, OMIM 612932.

Allele frequency attached by ClinVar (database versions not stated): ExAC 0.00016; gnomAD 0.00020 and 0.00021; gnomAD exomes 0.00020 and 0.00048; ESP Exome Variant Server 0.00023; TOPMed 0.00025.
gnomAD v4.1: 741 of 1,614,124 alleles (0.046%); highest among the groups gnomAD compares: Non-Finnish European, 0.058%; 1 homozygote.

Submissions (3):

Blueprint Genetics
Classification: Uncertain significance. Last evaluated: 2024-10-03. Review status: criteria provided, single submitter. Criteria: ACMG Guidelines, 2015. Collection method: clinical testing. Allele origin: germline.

ARUP Laboratories, Molecular Genetics and Genomics, ARUP Laboratories
Classification: Uncertain significance for Glycogen storage disease due to muscle beta-enolase deficiency. Last evaluated: 2024-04-24. Review status: criteria provided, single submitter. Criteria: ARUP Molecular Germline Variant Investigation Process 2024. Collection method: clinical testing. Allele origin: germline.
Comment: The ENO3 c.737T>C; p.Val246Ala variant (rs200479387), to our knowledge, is not reported in the medical literature but is reported in ClinVar (Variation ID: 1436082). This variant is found in the general population with an overall allele frequency of 0.02% (59/282,892 alleles) in the Genome Aggregation Database (v2.1.1). Computational analyses are uncertain whether this variant is neutral or deleterious (REVEL: 0.373). Due to limited information, the clinical significance of this variant is uncertain at this time.

Labcorp Genetics (formerly Invitae), Labcorp
Classification: Uncertain significance for Glycogen storage disease due to muscle beta-enolase deficiency. Last evaluated: 2022-07-11. Review status: criteria provided, single submitter. Criteria: Invitae Variant Classification Sherloc (09022015). Collection method: clinical testing. Allele origin: germline.
Comment: This sequence change replaces valine, which is neutral and non-polar, with alanine, which is neutral and non-polar, at codon 246 of the ENO3 protein (p.Val246Ala). This variant is present in population databases (rs200479387, gnomAD 0.04%). This variant has not been reported in the literature in individuals affected with ENO3-related conditions. ClinVar contains an entry for this variant (Variation ID: 1436082). Algorithms developed to predict the effect of missense changes on protein structure and function are either unavailable or do not agree on the potential impact of this missense change (SIFT: "Tolerated"; PolyPhen-2: "Probably Damaging"; Align-GVGD: "Class C0"). In summary, the available evidence is currently insufficient to determine the role of this variant in disease. Therefore, it has been classified as a Variant of Uncertain Significance.